The following is an entry in ClinVar:

NM_001267550.2(TTN):c.101627dup (p.Leu33876fs)

Genes: TTN-AS1 (TTN antisense RNA 1; plus strand), TTN (titin; minus strand). Cytogenetic location: 2q31.2.
Variant type: Duplication.
Coding change: c.101627dup on transcript NM_001267550.2 (MANE Select); coding-DNA position 101627, one base duplicated (T; older notation c.101627dupT).
Protein change: p.Leu33876fs; shifts the reading frame from leucine 33876.
Molecular consequence: frameshift variant.
Genome position (GRCh38, 1-based): chr2:178,534,988, A duplicated on the plus strand (T on the coding strand, the reverse complement: TTN is on the minus strand); the first of 2 consecutive A bases (chr2:178,534,988-178,534,989); duplicating either gives the same sequence. VCF-style (leftmost placement, unchanged base first): chr2-178534987-T-TA. GRCh37 (hg19) VCF-style: chr2-179399714-T-TA.
Other names: c.96704dup, p.Leu32235fs (NM_001256850.1); c.74432dup, p.Leu24811fs (NM_003319.4); c.93923dup, p.Leu31308fs (NM_133378.4); c.74807dup, p.Leu24936fs (NM_133432.3); c.75008dup, p.Leu25003fs (NM_133437.4); short protein forms L24811fs, L24936fs, L25003fs, L31308fs, L33876fs, L32235fs.
Identifiers: ClinVar variation 959651 (VCV000959651.10), dbSNP rs1690787769, ClinGen allele CA1139657411.

ClinVar aggregate classification (germline): Likely pathogenic (1 of 4 stars; one submission).

Conditions:
Dilated cardiomyopathy 1G (CMD1G). Identifiers: Orphanet 154, MedGen C1858763, MONDO:0011400, OMIM 604145.
Autosomal recessive limb-girdle muscular dystrophy type 2J (LGMDR10). Also called: Limb-girdle muscular dystrophy, type 2J; MUSCULAR DYSTROPHY, LIMB-GIRDLE, AUTOSOMAL RECESSIVE 10. Identifiers: Orphanet 140922, MedGen C1837342, MONDO:0012127, OMIM 608807.

Submission:

Labcorp Genetics (formerly Invitae), Labcorp
Classification: Likely pathogenic for Dilated cardiomyopathy 1G; Autosomal recessive limb-girdle muscular dystrophy type 2J. Last evaluated: 2024-05-14. Review status: criteria provided, single submitter. Criteria: Invitae Variant Classification Sherloc (09022015). Collection method: clinical testing. Allele origin: germline.
Comment: This sequence change creates a premature translational stop signal (p.Leu33876Phefs*5) in the TTN gene. While this is not anticipated to result in nonsense mediated decay, it is expected to create a truncated TTN protein. This variant is not present in population databases (gnomAD no frequency). This variant has not been reported in the literature in individuals affected with TTN-related conditions. ClinVar contains an entry for this variant (Variation ID: 959651). This variant is located in the M band of TTN (PMID: 25589632). Truncating variants in this region have been previously reported in individuals affected with autosomal recessive myopathy and muscular dystrophy (PMID: 18948003, 23975875, 24395473). Truncating variants in this region have also been identified in individuals affected with autosomal dominant dilated cardiomyopathy and/or cardio-related conditions (PMID: 27869827, 32964742, Invitae internal data). In summary, the currently available evidence indicates that the variant is pathogenic, but additional data are needed to prove that conclusively. Therefore, this variant has been classified as Likely Pathogenic.

Literature cited by the submitters: PubMed 25589632; PubMed 18948003; PubMed 23975875; PubMed 24395473; PubMed 27869827; PubMed 32964742.